The following is an entry in ClinVar:

ClinVar aggregate classification (germline): Uncertain significance (1 of 4 stars; one submission).

Submission:

Ambry Genetics
Classification: Uncertain significance. Last evaluated: 2024-06-12. Review status: criteria provided, single submitter. Criteria: Ambry Variant Classification Scheme 2023. Collection method: clinical testing. Allele origin: germline.
Comment: The p.D226E variant (also known as c.678C>A), located in coding exon 1 of the PALLD gene, results from a C to A substitution at nucleotide position 678. The aspartic acid at codon 226 is replaced by glutamic acid, an amino acid with highly similar properties. This amino acid position is conserved. In addition, this alteration is predicted to be tolerated by in silico analysis. Based on the available evidence, the clinical significance of this variant remains unclear.

NM_001166108.2(PALLD):c.678C>A (p.Asp226Glu)

Gene: PALLD (palladin, cytoskeletal associated protein; plus strand). Cytogenetic location: 4q32.3.
Variant type: single nucleotide variant.
Coding change: c.678C>A on transcript NM_001166108.2 (MANE Select); coding-DNA position 678, C replaced by A.
Protein change: p.Asp226Glu; replaces aspartic acid 226 with glutamic acid.
Molecular consequence: missense variant.
Genome position (GRCh38, 1-based): chr4:168,512,182, C>A. VCF-style: chr4-168512182-C-A. GRCh37 (hg19) VCF-style: chr4-169433333-C-A.
Other names: c.678C>A, p.Asp226Glu (NM_016081.4); short protein forms D226E.
Identifiers: ClinVar variation 3304031 (VCV003304031.1).
Genomic context (GRCh38, chr4:168,512,182, plus strand): 5'-TCCTAAAAATCAGCCGTCAGCCCTGCTGAGTGCCTCAGCCAGCCAGAGCCCTATGGAAGA[C>A]CAAGGGGAGATGGAAAGAGAGGTCAAGTCCCCTGGGGCCAGGCATTGCTACCAGGACAAC-3'
Protein context (NP_001159580.1, residues 216-236): SASASQSPME[Asp226Glu]QGEMEREVKS